The following is an entry in ClinVar:

ClinVar aggregate classification (germline): Likely benign. Review status: criteria provided, multiple submitters, no conflicts (2 of 4 stars). 4 submissions from 4 submitters: Likely benign (4). Last evaluated 2026-01-20.

Conditions:
Telangiectasia, hereditary hemorrhagic, type 1 (HHT1). Also called: Osler Weber Rendu syndrome type 1; ENG-Related Hereditary Hemorrhagic Telangiectasia. Identifiers: Orphanet 774, MedGen C4551861, MONDO:0008535, OMIM 187300. Disease mechanism: loss of function.
Cardiovascular phenotype. Identifiers: MedGen CN230736.
Hereditary hemorrhagic telangiectasia (HHT). Also called: Osler hemorrhagic telangiectasia syndrome; ORW DISEASE; Osler Weber Rendu syndrome; OSLER-RENDU-WEBER DISEASE. Identifiers: Orphanet 774, MedGen C0039445, MONDO:0019180. Disease mechanism: loss of function.

Allele frequency attached by ClinVar (database versions not stated): gnomAD exomes 0.00008 and 0.00023; ExAC 0.00012; TOPMed 0.00012; gnomAD 0.00019; ESP Exome Variant Server 0.00038.
gnomAD v4.1: 358 of 1,594,504 alleles (0.022%); highest among the groups gnomAD compares: Non-Finnish European, 0.028%; no homozygotes.

Submissions (4):

Labcorp Genetics (formerly Invitae), Labcorp
Classification: Likely benign for Hereditary hemorrhagic telangiectasia. Last evaluated: 2026-01-20. Review status: criteria provided, single submitter. Criteria: Invitae Variant Classification Sherloc (09022015). Collection method: clinical testing. Allele origin: germline.

Ambry Genetics
Classification: Likely benign for Cardiovascular phenotype. Last evaluated: 2022-03-06. Review status: criteria provided, single submitter. Criteria: Ambry Variant Classification Scheme 2023. Collection method: clinical testing. Allele origin: germline.

CeGaT Center for Human Genetics Tuebingen
Classification: Likely benign. Last evaluated: 2021-12-01. Review status: criteria provided, single submitter. Criteria: CeGaT Center For Human Genetics Tuebingen Variant Classification Criteria Version 2. Collection method: clinical testing. Allele origin: germline. Affected: yes. Observed: 1 variant allele.

Illumina Laboratory Services, Illumina
Classification: Likely benign for Telangiectasia, hereditary hemorrhagic, type 1. Last evaluated: 2017-04-28. Review status: criteria provided, single submitter. Criteria: ICSL Variant Classification Criteria 13 December 2019. Collection method: clinical testing. Allele origin: germline.
Comment: This variant was observed as part of a predisposition screen in an ostensibly healthy population. A literature search was performed for the gene, cDNA change, and amino acid change (where applicable). No publications were found based on this search. Allele frequency data from public databases allowed determination this variant is unlikely to cause disease. Therefore, this variant is classified as likely benign.

NM_001114753.3(ENG):c.954G>A (p.Pro318=)

Gene: ENG (endoglin; minus strand). Cytogenetic location: 9q34.11.
Variant type: single nucleotide variant.
Coding change: c.954G>A on transcript NM_001114753.3 (MANE Select); coding-DNA position 954, G replaced by A.
Protein change: p.Pro318=; no amino-acid change (proline 318 retained).
Molecular consequence: synonymous variant.
Genome position (GRCh38, 1-based): chr9:127,824,837, C>T on the plus strand (G>A on the coding strand, the complement: ENG is on the minus strand). VCF-style: chr9-127824837-C-T. GRCh37 (hg19) VCF-style: chr9-130587116-C-T.
Other names: c.954G>A, p.Pro318= (NM_000118.4, NM_001406715.1); c.408G>A, p.Pro136= (NM_001278138.2).
Identifiers: ClinVar variation 528080 (VCV000528080.52), dbSNP rs149590262, ClinGen allele CA5252933.